The following is an entry in ClinVar:

ClinVar aggregate classification (germline): Conflicting classifications of pathogenicity. Review status: criteria provided, conflicting classifications (1 of 4 stars). 3 submissions from 3 submitters: Uncertain significance (2); Likely benign (1). Last evaluated 2024-04-18.

Conditions:
Cardiovascular phenotype. Identifiers: MedGen CN230736.
Alstrom syndrome (ALMS). Identifiers: Orphanet 64, MedGen C0268425, MONDO:0008763, OMIM 203800.

Allele frequency attached by ClinVar (database versions not stated): gnomAD 0.00001; gnomAD exomes 0.00001; TOPMed 0.00001.
gnomAD v4.1: 13 of 1,613,796 alleles (0.00081%); highest among the groups gnomAD compares: East Asian, 0.022%; no homozygotes.

Submissions (3):

Ambry Genetics
Classification: Likely benign for Cardiovascular phenotype. Last evaluated: 2024-04-18. Review status: criteria provided, single submitter. Criteria: Ambry Variant Classification Scheme 2023. Collection method: clinical testing. Allele origin: germline.

Labcorp Genetics (formerly Invitae), Labcorp
Classification: Uncertain significance for Alstrom syndrome. Last evaluated: 2022-03-27. Review status: criteria provided, single submitter. Criteria: Invitae Variant Classification Sherloc (09022015). Collection method: clinical testing. Allele origin: germline.
Comment: This sequence change replaces histidine, which is basic and polar, with arginine, which is basic and polar, at codon 1306 of the ALMS1 protein (p.His1306Arg). This variant is not present in population databases (gnomAD no frequency). This variant has not been reported in the literature in individuals affected with ALMS1-related conditions. ClinVar contains an entry for this variant (Variation ID: 1303395). Experimental studies and prediction algorithms are not available or were not evaluated, and the functional significance of this variant is currently unknown. In summary, the available evidence is currently insufficient to determine the role of this variant in disease. Therefore, it has been classified as a Variant of Uncertain Significance.

GeneDx
Classification: Uncertain significance. Last evaluated: 2020-01-24. Review status: criteria provided, single submitter. Criteria: GeneDx Variant Classification Process June 2021. Collection method: clinical testing. Allele origin: germline. Affected: yes.
Comment: Not observed in large population cohorts (Lek et al., 2016); Has not been previously published as pathogenic or benign to our knowledge

NM_001378454.1(ALMS1):c.3914A>G (p.His1305Arg)

Gene: ALMS1 (ALMS1 centrosome and basal body associated protein; plus strand). Cytogenetic location: 2p13.1.
Variant type: single nucleotide variant.
Coding change: c.3914A>G on transcript NM_001378454.1 (MANE Select); coding-DNA position 3914, A replaced by G.
Protein change: p.His1305Arg; replaces histidine 1305 with arginine.
Molecular consequence: missense variant.
Genome position (GRCh38, 1-based): chr2:73,450,441, A>G. VCF-style: chr2-73450441-A-G. GRCh37 (hg19) VCF-style: chr2-73677568-A-G.
Other names: c.3917A>G, p.His1306Arg (NM_015120.4); short protein forms H1305R, H1306R.
Identifiers: ClinVar variation 1303395 (VCV001303395.4), dbSNP rs1394932968, ClinGen allele CA347277068.